The following is an entry in ClinVar:

ClinVar aggregate classification (germline): Uncertain significance. Review status: criteria provided, multiple submitters, no conflicts (2 of 4 stars). 4 submissions from 3 submitters: Uncertain significance (3). 1 of the submissions does not count toward it. Last evaluated 2024-05-29.

Conditions:
Thyroid dyshormonogenesis 6 (TDH6). Also called: THYROID HORMONOGENESIS, GENETIC DEFECT IN, 6; Genetic transient congenital hypothyroidism; HYPOTHYROIDISM, CONGENITAL, DUE TO DYSHORMONOGENESIS, 6. Identifiers: Orphanet 226316, Orphanet 95716, MedGen C1846632, MONDO:0011792, OMIM 607200.

Allele frequency attached by ClinVar (database versions not stated): gnomAD 0.00001; TOPMed 0.00001.
gnomAD v4.1: 5 of 1,613,550 alleles (0.00031%); highest among the groups gnomAD compares: Middle Eastern, 0.017%; no homozygotes.

Submissions (4):

Women's Health and Genetics/Laboratory Corporation of America, LabCorp
Classification: Uncertain significance. Last evaluated: 2024-05-29. Review status: criteria provided, single submitter. Criteria: LabCorp Variant Classification Summary - May 2015. Collection method: clinical testing. Allele origin: germline.
Comment: Variant summary: DUOX2 c.144C>A (p.His48Gln) results in a non-conservative amino acid change located in the Dual oxidase, peroxidase domain (IPR034821) of the encoded protein sequence. Three of five in-silico tools predict a damaging effect of the variant on protein function. The variant allele was found at a frequency of 8e-06 in 250452 control chromosomes. The available data on variant occurrences in the general population are insufficient to allow any conclusion about variant significance. c.144C>A has been reported in the literature in one individual affected with Thyroid Dyshormonogenesis (Naofal_2023). These report(s) do not provide unequivocal conclusions about association of the variant with Thyroid Dyshormonogenesis 6. To our knowledge, no experimental evidence demonstrating an impact on protein function has been reported. The following publication has been ascertained in the context of this evaluation (PMID: 36703223). ClinVar contains an entry for this variant (Variation ID: 1301703). Based on the evidence outlined above, the variant was classified as uncertain significance.

Dubai Health Genomic Medicine Center, Dubai Health
Classification: Uncertain significance. Last evaluated: 2022-12-17. Review status: criteria provided, single submitter. Criteria: ACMG Guidelines, 2015. Collection method: clinical testing. Allele origin: germline. Affected: yes.

Labcorp Genetics (formerly Invitae), Labcorp
Classification: Uncertain significance. Last evaluated: 2021-08-14. Review status: criteria provided, single submitter. Criteria: Invitae Variant Classification Sherloc (09022015). Collection method: clinical testing. Allele origin: germline.
Comment: This sequence change replaces histidine with glutamine at codon 48 of the DUOX2 protein (p.His48Gln). The histidine residue is moderately conserved and there is a small physicochemical difference between histidine and glutamine. This variant is present in population databases (rs779289206, ExAC 0.002%). This variant has not been reported in the literature in individuals affected with DUOX2-related conditions. Advanced modeling of protein sequence and biophysical properties (such as structural, functional, and spatial information, amino acid conservation, physicochemical variation, residue mobility, and thermodynamic stability) performed at Invitae indicates that this missense variant is not expected to disrupt DUOX2 protein function. In summary, the available evidence is currently insufficient to determine the role of this variant in disease. Therefore, it has been classified as a Variant of Uncertain Significance.

Dubai Health Genomic Medicine Center, Dubai Health
Classification: Uncertain significance for Thyroid dyshormonogenesis 6. Last evaluated: 2020-08-09. Review status: flagged submission. Criteria: ACMG Guidelines, 2015. Collection method: clinical testing. Allele origin: germline. Affected: yes. Not counted in ClinVar's aggregate classification.
Comment: The His48Gln missense variant in DUOX2 has not been previously reported in affected individuals but was identified in 2/250452 (0.0008% 0 homozygotes) total alleles in the Genome Aggregation Database (gnomAD). Computational prediction tools and conservation analysis do not provide evidence for or against pathogenicity. In summary more information is needed to determine the clinical significance of this variant.
ClinVar note: Reason: This record appears to be redundant with a more recent record from the same submitter.
ClinVar note: Notes: SCV001984397 appears to be redundant with SCV002818190.

Literature cited by the submitters: PubMed 36703223 (cited by Women's Health and Genetics/Laboratory Corporation of America, LabCorp).

NM_001363711.2(DUOX2):c.144C>A (p.His48Gln)

Gene: DUOX2 (dual oxidase 2; minus strand). Cytogenetic location: 15q21.1.
Variant type: single nucleotide variant.
Coding change: c.144C>A on transcript NM_001363711.2 (MANE Select); coding-DNA position 144, C replaced by A.
Protein change: p.His48Gln; replaces histidine 48 with glutamine.
Molecular consequence: missense variant.
Genome position (GRCh38, 1-based): chr15:45,113,003, G>T on the plus strand (C>A on the coding strand, the complement: DUOX2 is on the minus strand). VCF-style: chr15-45113003-G-T. GRCh37 (hg19) VCF-style: chr15-45405201-G-T.
Other names: c.144C>A, p.His48Gln (NM_014080.5); short protein forms H48Q.
Identifiers: ClinVar variation 1301703 (VCV001301703.8), dbSNP rs779289206, ClinGen allele CA7539122.